The following is an entry in ClinVar:

NM_017849.4(TMEM127):c.325T>C (p.Ser109Pro)

Gene: TMEM127 (transmembrane protein 127; minus strand). Cytogenetic location: 2q11.2.
Variant type: single nucleotide variant.
Coding change: c.325T>C on transcript NM_017849.4 (MANE Select); coding-DNA position 325, T replaced by C.
Protein change: p.Ser109Pro; replaces serine 109 with proline.
Molecular consequence: missense variant.
Genome position (GRCh38, 1-based): chr2:96,254,917, A>G on the plus strand (T>C on the coding strand, the complement: TMEM127 is on the minus strand). VCF-style: chr2-96254917-A-G. GRCh37 (hg19) VCF-style: chr2-96920655-A-G.
Other names: c.325T>C, p.Ser109Pro (NM_001193304.3); short protein forms S109P.
Identifiers: ClinVar variation 823332 (VCV000823332.15), dbSNP rs761032675, ClinGen allele CA1777351.

ClinVar aggregate classification (germline): Uncertain significance. Review status: criteria provided, multiple submitters, no conflicts (2 of 4 stars). 2 submissions from 2 submitters: Uncertain significance (2). Last evaluated 2025-12-13.

Conditions:
Hereditary cancer-predisposing syndrome. Also called: Hereditary Cancer Syndrome; Tumor predisposition; Neoplastic Syndromes, Hereditary; Hereditary neoplastic syndrome. Identifiers: Orphanet 140162, MedGen C0027672, MeSH D009386, MONDO:0015356.
Hereditary pheochromocytoma and paraganglioma. Also called: Hereditary pheochromocytoma-paraganglioma; Hereditary paragangliomas and pheochromocytomas; Hereditary Paraganglioma-Pheochromocytoma Syndromes. Identifiers: Orphanet 29072, MedGen C4274332, MONDO:0017366.

Allele frequency attached by ClinVar (database versions not stated): TOPMed below 0.00001; ExAC 0.00001; gnomAD exomes 0.00001.
gnomAD v4.1: 3 of 1,614,102 alleles (0.00019%); highest among the groups gnomAD compares: Admixed American, 0.0017%; no homozygotes.

Submissions (2):

Labcorp Genetics (formerly Invitae), Labcorp
Classification: Uncertain significance for Hereditary pheochromocytoma and paraganglioma. Last evaluated: 2025-12-13. Review status: criteria provided, single submitter. Criteria: Invitae Variant Classification Sherloc (09022015). Collection method: clinical testing. Allele origin: germline.
Comment: This sequence change replaces serine, which is neutral and polar, with proline, which is neutral and non-polar, at codon 109 of the TMEM127 protein (p.Ser109Pro). This variant is present in population databases (rs761032675, gnomAD 0.003%). This missense change has been observed in individual(s) with paraganglioma (PMID: 21613359, 28384794). ClinVar contains an entry for this variant (Variation ID: 823332). An algorithm developed to predict the effect of missense changes on protein structure and function (PolyPhen-2) suggests that this variant is likely to be tolerated. Studies have shown that this missense change alters TMEM127 gene expression (PMID: 32575117). In summary, the available evidence is currently insufficient to determine the role of this variant in disease. Therefore, it has been classified as a Variant of Uncertain Significance.

Ambry Genetics
Classification: Uncertain significance for Hereditary cancer-predisposing syndrome. Last evaluated: 2025-06-30. Review status: criteria provided, single submitter. Criteria: Ambry Variant Classification Scheme 2023. Collection method: clinical testing. Allele origin: germline.
Comment: The p.S109P variant (also known as c.325T>C), located in coding exon 2 of the TMEM127 gene, results from a T to C substitution at nucleotide position 325. The serine at codon 109 is replaced by proline, an amino acid with similar properties. This alteration was identified in multiple individuals diagnosed with head/neck paragangliomas (Neumann HP et al. J. Clin. Endocrinol. Metab., 2011 Aug;96:E1279-82; Bausch B. JAMA Oncol. 2017 Sep;3(9):1204-1212). This amino acid position is well conserved. In addition, this alteration is predicted to be deleterious by in silico analysis. Since supporting evidence is limited at this time, the clinical significance of this alteration remains unclear.

Literature cited by the submitters: PubMed 21613359 (cited by Labcorp Genetics (formerly Invitae), Labcorp and Ambry Genetics); PubMed 28384794 (cited by Labcorp Genetics (formerly Invitae), Labcorp and Ambry Genetics); PubMed 32575117 (cited by Labcorp Genetics (formerly Invitae), Labcorp).